The following is an entry in ClinVar:

NM_001374736.1(DST):c.17213G>A (p.Cys5738Tyr)

Gene: DST (dystonin; minus strand). Cytogenetic location: 6p12.1.
Variant type: single nucleotide variant.
Coding change: c.17213G>A on transcript NM_001374736.1 (MANE Select); coding-DNA position 17213, G replaced by A.
Protein change: p.Cys5738Tyr; replaces cysteine 5738 with tyrosine.
Molecular consequence: missense variant.
Genome position (GRCh38, 1-based): chr6:56,530,029, C>T on the plus strand (G>A on the coding strand, the complement: DST is on the minus strand). VCF-style: chr6-56530029-C-T. GRCh37 (hg19) VCF-style: chr6-56394827-C-T.
Other names: c.10856G>A, p.Cys3619Tyr (NM_001144769.5); c.10442G>A, p.Cys3481Tyr (NM_001144770.2); c.17213G>A, p.Cys5738Tyr (NM_001374722.1); c.16580G>A, p.Cys5527Tyr (NM_001374729.1); c.10322G>A, p.Cys3441Tyr (NM_001374730.1, NM_001386100.1, NM_183380.4); c.17240G>A, p.Cys5747Tyr (NM_001374734.1); c.9344G>A, p.Cys3115Tyr (NM_015548.5); short protein forms C3115Y, C3441Y, C3481Y, C3619Y, C5527Y, C5738Y, C5747Y.
Identifiers: ClinVar variation 3761127 (VCV003761127.2).

ClinVar aggregate classification (germline): Uncertain significance (1 of 4 stars; one submission).

Conditions:
Epidermolysis bullosa simplex 3, localized or generalized intermediate, with BP230 deficiency (EBS3). Also called: Epidermolysis bullosa simplex due to BP230 deficiency; Epidermolysis bullosa simplex, autosomal recessive 2. Identifiers: Orphanet 412181, MedGen C3809470, MONDO:0014180, OMIM 615425.
Hereditary sensory and autonomic neuropathy type 6. Also called: Neuropathy, hereditary sensory and autonomic, type VI; HSAN VI. Identifiers: Orphanet 314381, MedGen C3539003, MONDO:0013839, OMIM 614653.

gnomAD v4.1: 1 of 1,613,462 alleles (0.000062%); highest among the groups gnomAD compares: Non-Finnish European, 0.000085%; no homozygotes.

Submission:

Labcorp Genetics (formerly Invitae), Labcorp
Classification: Uncertain significance for Epidermolysis bullosa simplex 3, localized or generalized intermediate, with BP230 deficiency; Hereditary sensory and autonomic neuropathy type 6. Last evaluated: 2024-08-01. Review status: criteria provided, single submitter. Criteria: Invitae Variant Classification Sherloc (09022015). Collection method: clinical testing. Allele origin: germline.
Comment: The DST gene has multiple clinically relevant transcripts. This variant occurs in alternate transcript NM_015548.4, and corresponds to NM_001723.5:c.*85488G>A in the primary transcript. This sequence change replaces cysteine, which is neutral and slightly polar, with tyrosine, which is neutral and polar, at codon 3115 of the DST protein (p.Cys3115Tyr). The frequency data for this variant in the population databases is considered unreliable, as metrics indicate poor data quality at this position in the gnomAD database. This variant has not been reported in the literature in individuals affected with DST-related conditions. Experimental studies and prediction algorithms are not available or were not evaluated, and the functional significance of this variant is currently unknown. In summary, the available evidence is currently insufficient to determine the role of this variant in disease. Therefore, it has been classified as a Variant of Uncertain Significance.